The following is an entry in ClinVar:

NM_022168.4(IFIH1):c.1063G>A (p.Glu355Lys)

Gene: IFIH1 (interferon induced with helicase C domain 1; minus strand). Cytogenetic location: 2q24.2.
Variant type: single nucleotide variant.
Coding change: c.1063G>A on transcript NM_022168.4 (MANE Select); coding-DNA position 1063, G replaced by A.
Protein change: p.Glu355Lys; replaces glutamic acid 355 with lysine.
Molecular consequence: missense variant.
Genome position (GRCh38, 1-based): chr2:162,288,167, C>T on the plus strand (G>A on the coding strand, the complement: IFIH1 is on the minus strand). VCF-style: chr2-162288167-C-T. GRCh37 (hg19) VCF-style: chr2-163144677-C-T.
Other names: c.1063G>A, p.Glu355Lys (LRG_1235t1); short protein forms E355K.
Identifiers: ClinVar variation 576956 (VCV000576956.8), dbSNP rs887114201, ClinGen allele CA59670667.

ClinVar aggregate classification (germline): Uncertain significance (1 of 4 stars; one submission).

Conditions:
Aicardi-Goutieres syndrome 7 (AGS7). Identifiers: Orphanet 51, MedGen C3888244, MONDO:0014367, OMIM 615846.
Singleton-Merten syndrome 1 (SGMRT1). Also called: Widened medullary cavities of bone, aortic calcification, abnormal dentition, and muscular weakness; Syndrome of widened medullary cavities of the metacarpals and phalanges, aortic calcification and abnormal dentition. Identifiers: Orphanet 85191, MedGen C4225427, MONDO:0024535, OMIM 182250.

Allele frequency attached by ClinVar (database versions not stated): TOPMed below 0.00001.

Submission:

Labcorp Genetics (formerly Invitae), Labcorp
Classification: Uncertain significance for Aicardi-Goutieres syndrome 7; Singleton-Merten syndrome 1. Last evaluated: 2023-03-08. Review status: criteria provided, single submitter. Criteria: Invitae Variant Classification Sherloc (09022015). Collection method: clinical testing. Allele origin: germline.
Comment: This sequence change replaces glutamic acid, which is acidic and polar, with lysine, which is basic and polar, at codon 355 of the IFIH1 protein (p.Glu355Lys). This variant is not present in population databases (gnomAD no frequency). This variant has not been reported in the literature in individuals affected with IFIH1-related conditions. ClinVar contains an entry for this variant (Variation ID: 576956). Advanced modeling of protein sequence and biophysical properties (such as structural, functional, and spatial information, amino acid conservation, physicochemical variation, residue mobility, and thermodynamic stability) has been performed at Invitae for this missense variant, however the output from this modeling did not meet the statistical confidence thresholds required to predict the impact of this variant on IFIH1 protein function. In summary, the available evidence is currently insufficient to determine the role of this variant in disease. Therefore, it has been classified as a Variant of Uncertain Significance.